The following is an entry in ClinVar:

ClinVar aggregate classification (germline): Uncertain significance (1 of 4 stars; one submission).

Conditions:
Immunodeficiency 67. Also called: Immunodeficiency due to interleukin-1 receptor-associated kinase-4 deficiency. Identifiers: Orphanet 70592, MedGen C1843256, MONDO:0011888, OMIM 607676.

Allele frequency attached by ClinVar (database versions not stated): ExAC 0.00001; TOPMed 0.00004; gnomAD 0.00005; ESP Exome Variant Server 0.00008.
gnomAD v4.1: 9 of 1,610,798 alleles (0.00056%); highest among the groups gnomAD compares: African/African-American, 0.012%; no homozygotes.

Submission:

Labcorp Genetics (formerly Invitae), Labcorp
Classification: Uncertain significance for Immunodeficiency 67. Last evaluated: 2025-10-07. Review status: criteria provided, single submitter. Criteria: Invitae Variant Classification Sherloc (09022015). Collection method: clinical testing. Allele origin: germline.
Comment: This sequence change replaces asparagine, which is neutral and polar, with lysine, which is basic and polar, at codon 179 of the IRAK4 protein (p.Asn179Lys). This variant is present in population databases (rs373731553, gnomAD 0.02%). This variant has not been reported in the literature in individuals affected with IRAK4-related conditions. ClinVar contains an entry for this variant (Variation ID: 2990393). Invitae Evidence Modeling of protein sequence and biophysical properties (such as structural, functional, and spatial information, amino acid conservation, physicochemical variation, residue mobility, and thermodynamic stability) indicates that this missense variant is not expected to disrupt IRAK4 protein function with a negative predictive value of 80%. In summary, the available evidence is currently insufficient to determine the role of this variant in disease. Therefore, it has been classified as a Variant of Uncertain Significance.

NM_016123.4(IRAK4):c.537C>G (p.Asn179Lys)

Gene: IRAK4 (interleukin 1 receptor associated kinase 4; plus strand). Cytogenetic location: 12q12.
Variant type: single nucleotide variant.
Coding change: c.537C>G on transcript NM_016123.4 (MANE Select); coding-DNA position 537, C replaced by G.
Protein change: p.Asn179Lys; replaces asparagine 179 with lysine.
Molecular consequence: missense variant.
Genome position (GRCh38, 1-based): chr12:43,772,958, C>G. VCF-style: chr12-43772958-C-G. GRCh37 (hg19) VCF-style: chr12-44166761-C-G.
Other names: c.537C>G, p.Asn179Lys (NM_001114182.3, NM_001351345.2); c.165C>G, p.Asn55Lys (NM_001145256.2, NM_001145257.2, NM_001145258.2 and 5 more transcripts); c.14C>G, p.Thr5Ser (NM_001351343.2, NM_001351344.2); short protein forms N179K, N55K, T5S.
Identifiers: ClinVar variation 2990393 (VCV002990393.3), dbSNP rs373731553, ClinGen allele CA6522403.